The following is an entry in ClinVar:

NM_001270508.2(TNFAIP3):c.682A>T (p.Lys228Ter)

Genes: TNFAIP3 (TNF alpha induced protein 3; plus strand), LOC126859807 (MED14-independent group 3 enhancer GRCh37_chr6:138196296-138197495; plus strand). Cytogenetic location: 6q23.3.
Variant type: single nucleotide variant.
Coding change: c.682A>T on transcript NM_001270508.2 (MANE Select); coding-DNA position 682, A replaced by T.
Protein change: p.Lys228Ter; replaces lysine 228 with a stop codon.
Molecular consequence: nonsense.
Genome position (GRCh38, 1-based): chr6:137,876,043, A>T. VCF-style: chr6-137876043-A-T. GRCh37 (hg19) VCF-style: chr6-138197180-A-T.
Other names: c.682A>T, p.Lys228Ter (NM_001270507.2, NM_006290.4); short protein forms K228*.
Identifiers: ClinVar variation 3459082 (VCV003459082.1).

ClinVar aggregate classification (germline): Pathogenic (1 of 4 stars; one submission).

Conditions:
Inborn genetic diseases. Identifiers: MedGen C0950123, MeSH D030342.

Submission:

Ambry Genetics
Classification: Pathogenic for Inborn genetic diseases. Last evaluated: 2024-10-25. Review status: criteria provided, single submitter. Criteria: Ambry Variant Classification Scheme 2023. Collection method: clinical testing. Allele origin: germline.
Comment: The c.682A>T (p.K228*) alteration, located in exon 5 (coding exon 4) of the TNFAIP3 gene, consists of a A to T substitution at nucleotide position 682. This changes the amino acid from a lysine (K) to a stop codon at amino acid position 228. This alteration is expected to result in loss of function by premature protein truncation or nonsense-mediated mRNA decay. This variant was not reported in population-based cohorts in the Genome Aggregation Database (gnomAD). Based on the available evidence, this alteration is classified as pathogenic.